The following is an entry in ClinVar:

NM_014946.4(SPAST):c.883dup (p.Thr295fs)

Gene: SPAST (spastin; plus strand). Cytogenetic location: 2p22.3.
Variant type: Duplication.
Coding change: c.883dup on transcript NM_014946.4 (MANE Select); coding-DNA position 883, one base duplicated (A; older notation c.883dupA).
Protein change: p.Thr295fs; shifts the reading frame from threonine 295.
Molecular consequence: frameshift variant.
Genome position (GRCh38, 1-based): chr2:32,115,714, A duplicated; the last of 4 consecutive A bases (chr2:32,115,711-32,115,714); duplicating any one gives the same sequence. VCF-style (leftmost placement, unchanged base first): chr2-32115710-G-GA. GRCh37 (hg19) VCF-style: chr2-32340779-G-GA.
Other names: c.883dupA (NM_014946.3); c.880dup, p.Thr294fs (NM_001363823.2); c.784dup, p.Thr262fs (NM_001363875.2); c.787dup, p.Thr263fs (NM_001377959.1, NM_199436.2); short protein forms T263fs, T294fs, T295fs, T262fs.
Identifiers: ClinVar variation 468576 (VCV000468576.6), dbSNP rs1553315181, ClinGen allele CA658657017.

ClinVar aggregate classification (germline): Pathogenic (1 of 4 stars; one submission).

Conditions:
Hereditary spastic paraplegia 4. Also called: Spastic paraplegia 4, autosomal dominant; Familial spastic paraplegia autosomal dominant 2; Spastic Paraplegia 4. Identifiers: Orphanet 100985, MedGen C1866855, MONDO:0008438, OMIM 182601.

Submission:

Labcorp Genetics (formerly Invitae), Labcorp
Classification: Pathogenic for Hereditary spastic paraplegia 4. Last evaluated: 2017-01-17. Review status: criteria provided, single submitter. Criteria: Invitae Variant Classification Sherloc (09022015). Collection method: clinical testing. Allele origin: germline.
Comment: This sequence change inserts 1 nucleotide in exon 6 of the SPAST mRNA (c.883dupA), causing a frameshift at codon 295. This creates a premature translational stop signal (p.Thr295Asnfs*3) and is expected to result in an absent or disrupted protein product. While this particular variant has not been reported in the literature, loss-of-function variants in SPAST are known to be pathogenic (PMID: 20932283). For these reasons, this variant has been classified as Pathogenic.

Literature cited by the submitters: PubMed 20932283.